The following is an entry in ClinVar:

ClinVar aggregate classification (germline): Uncertain significance. Review status: criteria provided, multiple submitters, no conflicts (2 of 4 stars). 2 submissions from 2 submitters: Uncertain significance (2). Last evaluated 2025-05-13.

Conditions:
Hereditary spastic paraplegia 7 (SPG7). Also called: Spastic paraplegia 7; Hereditary spastic paraplegia Paraplegin type; Autosomal recessive spastic paraplegia type 7; SPG7-related neurologic disorder; SPASTIC PARAPLEGIA 7, AUTOSOMAL RECESSIVE, WITH OR WITHOUT CEREBELLAR ATAXIA. Identifiers: Orphanet 99013, MedGen C1846564, MONDO:0011803, OMIM 607259.

Allele frequency attached by ClinVar (database versions not stated): ExAC 0.00001; gnomAD exomes 0.00002 and 0.00005; gnomAD 0.00003; TOPMed 0.00003.
gnomAD v4.1: 78 of 1,613,722 alleles (0.0048%); highest among the groups gnomAD compares: Non-Finnish European, 0.0057%; no homozygotes.

Submissions (2):

Labcorp Genetics (formerly Invitae), Labcorp
Classification: Uncertain significance for Hereditary spastic paraplegia 7. Last evaluated: 2025-05-13. Review status: criteria provided, single submitter. Criteria: Invitae Variant Classification Sherloc (09022015). Collection method: clinical testing. Allele origin: germline.
Comment: This sequence change replaces aspartic acid, which is acidic and polar, with asparagine, which is neutral and polar, at codon 190 of the SPG7 protein (p.Asp190Asn). This variant is present in population databases (rs765532928, gnomAD 0.004%). This variant has not been reported in the literature in individuals affected with SPG7-related conditions. ClinVar contains an entry for this variant (Variation ID: 533734). Invitae Evidence Modeling of protein sequence and biophysical properties (such as structural, functional, and spatial information, amino acid conservation, physicochemical variation, residue mobility, and thermodynamic stability) indicates that this missense variant is not expected to disrupt SPG7 protein function with a negative predictive value of 80%. In summary, the available evidence is currently insufficient to determine the role of this variant in disease. Therefore, it has been classified as a Variant of Uncertain Significance.

Blueprint Genetics
Classification: Uncertain significance. Last evaluated: 2023-12-29. Review status: criteria provided, single submitter. Criteria: ACMG Guidelines, 2015. Collection method: clinical testing. Allele origin: germline.

NM_003119.4(SPG7):c.568G>A (p.Asp190Asn)

Gene: SPG7 (SPG7 matrix AAA peptidase subunit, paraplegin; plus strand). Cytogenetic location: 16q24.3.
Variant type: single nucleotide variant.
Coding change: c.568G>A on transcript NM_003119.4 (MANE Select); coding-DNA position 568, G replaced by A.
Protein change: p.Asp190Asn; replaces aspartic acid 190 with asparagine.
Molecular consequence: missense variant.
Genome position (GRCh38, 1-based): chr16:89,524,197, G>A. VCF-style: chr16-89524197-G-A. GRCh37 (hg19) VCF-style: chr16-89590605-G-A.
Other names: c.568G>A, p.Asp190Asn (NM_001363850.1, NM_199367.3); short protein forms D190N.
Identifiers: ClinVar variation 533734 (VCV000533734.9), dbSNP rs765532928, ClinGen allele CA8243671.